The following is an entry in ClinVar:

NM_025074.7(FRAS1):c.8847_8848insA (p.Glu2950fs)

Gene: FRAS1 (Fraser extracellular matrix complex subunit 1; plus strand). Cytogenetic location: 4q21.21.
Variant type: Insertion.
Coding change: c.8847_8848insA on transcript NM_025074.7 (MANE Select); coding-DNA positions 8847 to 8848, A inserted.
Protein change: p.Glu2950fs; shifts the reading frame from glutamic acid 2950.
Molecular consequence: frameshift variant.
Genome position: GRCh38 VCF-style: chr4-78488969-T-TA. GRCh37 (hg19) VCF-style: chr4-79410123-T-TA.
Other names: short protein forms E2950fs.
Identifiers: ClinVar variation 2835377 (VCV002835377.3), dbSNP rs2475773495, ClinGen allele CA2739270114.

ClinVar aggregate classification (germline): Pathogenic (1 of 4 stars; one submission).

Submission:

Labcorp Genetics (formerly Invitae), Labcorp
Classification: Pathogenic. Last evaluated: 2023-02-08. Review status: criteria provided, single submitter. Criteria: Invitae Variant Classification Sherloc (09022015). Collection method: clinical testing. Allele origin: germline.
Comment: This sequence change creates a premature translational stop signal (p.Glu2950Argfs*20) in the FRAS1 gene. It is expected to result in an absent or disrupted protein product. Loss-of-function variants in FRAS1 are known to be pathogenic (PMID: 12766769, 18671281). For these reasons, this variant has been classified as Pathogenic. This variant has not been reported in the literature in individuals affected with FRAS1-related conditions. This variant is not present in population databases (gnomAD no frequency).

Literature cited by the submitters: PubMed 12766769; PubMed 18671281.